The following is an entry in ClinVar:

NM_004239.4(TRIP11):c.4405G>A (p.Val1469Met)

Gene: TRIP11 (thyroid hormone receptor interactor 11; minus strand). Cytogenetic location: 14q32.12.
Variant type: single nucleotide variant.
Coding change: c.4405G>A on transcript NM_004239.4 (MANE Select); coding-DNA position 4405, G replaced by A.
Protein change: p.Val1469Met; replaces valine 1469 with methionine.
Molecular consequence: missense variant.
Genome position (GRCh38, 1-based): chr14:92,003,571, C>T on the plus strand (G>A on the coding strand, the complement: TRIP11 is on the minus strand). VCF-style: chr14-92003571-C-T. GRCh37 (hg19) VCF-style: chr14-92469915-C-T.
Other names: c.4405G>A (NM_004239.3); c.4402G>A, p.Val1468Met (NM_001321851.1); short protein forms V1469M, V1468M.
Identifiers: ClinVar variation 498875 (VCV000498875.11), dbSNP rs147588757, ClinGen allele CA7313464.

ClinVar aggregate classification (germline): Uncertain significance. Review status: criteria provided, multiple submitters, no conflicts (2 of 4 stars). 3 submissions from 3 submitters: Uncertain significance (3). Last evaluated 2025-08-28.

Conditions:
Inborn genetic diseases. Identifiers: MedGen C0950123, MeSH D030342.
Achondrogenesis, type IA (ACG1A). Identifiers: Orphanet 932, Orphanet 93299, MedGen C0265273, MONDO:0008701, OMIM 200600.

Allele frequency attached by ClinVar (database versions not stated): gnomAD 0.00009 and 0.00011; TOPMed 0.00016; 1000 Genomes Project 0.00040; 1000 Genomes Project 30x 0.00047; ExAC 0.00002; gnomAD exomes 0.00002; ESP Exome Variant Server 0.00008.
gnomAD v4.1: 25 of 1,614,130 alleles (0.0015%); highest among the groups gnomAD compares: Admixed American, 0.018%; 1 homozygote.

Submissions (3):

Ambry Genetics
Classification: Uncertain significance for Inborn genetic diseases. Last evaluated: 2025-08-28. Review status: criteria provided, single submitter. Criteria: Ambry Variant Classification Scheme 2023. Collection method: clinical testing. Allele origin: germline.

Labcorp Genetics (formerly Invitae), Labcorp
Classification: Uncertain significance for Achondrogenesis, type IA. Last evaluated: 2022-07-19. Review status: criteria provided, single submitter. Criteria: Invitae Variant Classification Sherloc (09022015). Collection method: clinical testing. Allele origin: germline.
Comment: This sequence change replaces valine, which is neutral and non-polar, with methionine, which is neutral and non-polar, at codon 1469 of the TRIP11 protein (p.Val1469Met). This variant is present in population databases (rs147588757, gnomAD 0.03%), including at least one homozygous and/or hemizygous individual. This variant has not been reported in the literature in individuals affected with TRIP11-related conditions. ClinVar contains an entry for this variant (Variation ID: 498875). Algorithms developed to predict the effect of missense changes on protein structure and function are either unavailable or do not agree on the potential impact of this missense change (SIFT: "Not Available"; PolyPhen-2: "Benign"; Align-GVGD: "Not Available"). In summary, the available evidence is currently insufficient to determine the role of this variant in disease. Therefore, it has been classified as a Variant of Uncertain Significance.

Eurofins Ntd Llc (ga)
Classification: Uncertain significance. Last evaluated: 2017-01-06. Review status: criteria provided, single submitter. Criteria: EGL Classification Definitions 2015. Collection method: clinical testing. Allele origin: germline. Observed: 1 variant allele, 1 heterozygote.